The following is an entry in ClinVar:

NM_001291867.2(NHS):c.3438C>T (p.Ile1146=)

Gene: NHS (NHS actin remodeling regulator; plus strand). Cytogenetic location: Xp22.13.
Variant type: single nucleotide variant.
Coding change: c.3438C>T on transcript NM_001291867.2 (MANE Select); coding-DNA position 3438, C replaced by T.
Protein change: p.Ile1146=; no amino-acid change (isoleucine 1146 retained).
Molecular consequence: synonymous variant.
Genome position (GRCh38, 1-based): chrX:17,727,544, C>T. VCF-style: chrX-17727544-C-T. GRCh37 (hg19) VCF-style: chrX-17745664-C-T.
Other names: c.2907C>T, p.Ile969= (NM_001136024.4); c.2844C>T, p.Ile948= (NM_001291868.2); c.3375C>T, p.Ile1125= (NM_198270.4).
Identifiers: ClinVar variation 3390169 (VCV003390169.14).

ClinVar aggregate classification (germline): Likely benign (1 of 4 stars; one submission).

Submission:

CeGaT Center for Human Genetics Tuebingen
Classification: Likely benign. Last evaluated: 2024-11-01. Review status: criteria provided, single submitter. Criteria: CeGaT Center For Human Genetics Tuebingen Variant Classification Criteria Version 2. Collection method: clinical testing. Allele origin: germline. Affected: yes. Observed: 1 variant allele.
Comment: NHS: PM2:Supporting, BP4, BP7